The following is an entry in ClinVar:

NM_000890.5(KCNJ5):c.701T>C (p.Ile234Thr)

Gene: KCNJ5 (potassium inwardly rectifying channel subfamily J member 5; plus strand). Cytogenetic location: 11q24.3.
Variant type: single nucleotide variant.
Coding change: c.701T>C on transcript NM_000890.5 (MANE Select); coding-DNA position 701, T replaced by C.
Protein change: p.Ile234Thr; replaces isoleucine 234 with threonine.
Molecular consequence: missense variant.
Genome position (GRCh38, 1-based): chr11:128,911,974, T>C. VCF-style: chr11-128911974-T-C. GRCh37 (hg19) VCF-style: chr11-128781869-T-C.
Other names: c.701T>C, p.Ile234Thr (NM_001354169.2); short protein forms I234T.
Identifiers: ClinVar variation 2895995 (VCV002895995.3), dbSNP rs1184785504, ClinGen allele CA383249733.

ClinVar aggregate classification (germline): Uncertain significance (1 of 4 stars; one submission).

Conditions:
Long QT syndrome (LQTS). Identifiers: MedGen C0023976, MeSH D008133, MONDO:0002442. Disease mechanism: loss of function. Inheritance: Various modes of inheritance.

Allele frequency attached by ClinVar (database versions not stated): gnomAD exomes below 0.00001; TOPMed below 0.00001.
gnomAD v4.1: 2 of 1,601,954 alleles (0.00012%); highest among the groups gnomAD compares: Non-Finnish European, 0.00017%; no homozygotes.

Submission:

Labcorp Genetics (formerly Invitae), Labcorp
Classification: Uncertain significance for Long QT syndrome. Last evaluated: 2023-03-22. Review status: criteria provided, single submitter. Criteria: Invitae Variant Classification Sherloc (09022015). Collection method: clinical testing. Allele origin: germline.
Comment: This variant is not present in population databases (gnomAD no frequency). This sequence change replaces isoleucine, which is neutral and non-polar, with threonine, which is neutral and polar, at codon 234 of the KCNJ5 protein (p.Ile234Thr). This variant has not been reported in the literature in individuals affected with KCNJ5-related conditions. In summary, the available evidence is currently insufficient to determine the role of this variant in disease. Therefore, it has been classified as a Variant of Uncertain Significance. Advanced modeling of protein sequence and biophysical properties (such as structural, functional, and spatial information, amino acid conservation, physicochemical variation, residue mobility, and thermodynamic stability) performed at Invitae indicates that this missense variant is expected to disrupt KCNJ5 protein function.